The following is an entry in ClinVar:

ClinVar aggregate classification (germline): Pathogenic (1 of 4 stars; one submission).

Conditions:
Branchiootorenal syndrome 1. Also called: Branchio-Oto-Renal Syndrome 1. Identifiers: Orphanet 107, MedGen C4551702, MONDO:0007236, OMIM 113650.

Submission:

Victorian Clinical Genetics Services, Murdoch Childrens Research Institute
Classification: Pathogenic for Branchiootorenal syndrome 1. Last evaluated: 2024-10-10. Review status: criteria provided, single submitter. Criteria: ACMG Guidelines, 2015. Collection method: clinical testing. Allele origin: germline. Inheritance: Autosomal dominant inheritance. Affected: yes.
Comment: Based on the classification scheme VCGS_Germline_v1.3.5, this variant is classified as Pathogenic. Following criteria are met: 0102 - Loss of function is a known mechanism of disease in this gene and is associated with anterior segment anomalies with or without cataract (MIM#602588), branchiootic syndrome (MIM#602588), and branchiootorenal syndrome 1, with or without cataracts (MIM#113650). (I) 0107 - This gene is associated with autosomal dominant disease. (I) 0201 - Variant is predicted to cause nonsense-mediated decay (NMD) and loss of protein (premature termination codon is located at least 54 nucleotides upstream of the final exon-exon junction). (SP) 0251 - This variant is heterozygous. (I) 0301 - Variant is absent from gnomAD (v2, v3 and v4). (SP) 0701 - Other NMD-predicted variants comparable to the one identified in this case have very strong previous evidence for pathogenicity. Many NMD-predicted variants have been reported as pathogenic or likely pathogenic (ClinVar). (SP) 0807 - This variant has no previous evidence of pathogenicity. (I) 0905 - No published segregation evidence has been identified for this variant. (I) 1007 - No published functional evidence has been identified for this variant. (I) 1208 - Inheritance information for this variant is not currently available in this individual. (I) Legend: (SP) - Supporting pathogenic, (I) - Information, (SB) - Supporting benign

NM_000503.6(EYA1):c.1259del (p.Leu420fs)

Gene: EYA1 (EYA transcriptional coactivator and phosphatase 1; minus strand). Cytogenetic location: 8q13.3.
Variant type: Deletion.
Coding change: c.1259del on transcript NM_000503.6 (MANE Select); coding-DNA position 1259, one base deleted (T; older notation c.1259delT).
Protein change: p.Leu420fs; shifts the reading frame from leucine 420.
Molecular consequence: frameshift variant.
Genome position (GRCh38, 1-based): chr8:71,216,793, A deleted on the plus strand (T on the coding strand, the reverse complement: EYA1 is on the minus strand); the first of 3 consecutive A bases (chr8:71,216,793-71,216,795); deleting any one gives the same sequence. VCF-style (leftmost placement, unchanged base first): chr8-71216792-CA-C. GRCh37 (hg19) VCF-style: chr8-72129027-CA-C.
Other names: c.1259delT (NM_000503.5); c.1241del, p.Leu414fs (NM_001288574.2, NM_172059.5); c.893del, p.Leu298fs (NM_001288575.2); c.1346del, p.Leu449fs (NM_001370333.1); c.1259del, p.Leu420fs (NM_001370334.1, NM_001370335.1, NM_172058.4); c.1238del, p.Leu413fs (NM_001370336.1); short protein forms L298fs, L413fs, L414fs, L420fs, L449fs.
Identifiers: ClinVar variation 975072 (VCV000975072.4), dbSNP rs1809266780, ClinGen allele CA1139660596.